The following is an entry in ClinVar:

ClinVar aggregate classification (germline): Uncertain significance. Review status: criteria provided, multiple submitters, no conflicts (2 of 4 stars). 2 submissions from 2 submitters: Uncertain significance (2). Last evaluated 2025-09-01.

Allele frequency attached by ClinVar (database versions not stated): ExAC 0.00002; gnomAD exomes 0.00002 and 0.00005; gnomAD 0.00006; TOPMed 0.00006.
gnomAD v4.1: 32 of 1,613,884 alleles (0.002%); highest among the groups gnomAD compares: Admixed American, 0.025%; no homozygotes.

Submissions (2):

Labcorp Genetics (formerly Invitae), Labcorp
Classification: Uncertain significance. Last evaluated: 2025-09-01. Review status: criteria provided, single submitter. Criteria: Invitae Variant Classification Sherloc (09022015). Collection method: clinical testing. Allele origin: germline.
Comment: This sequence change replaces arginine, which is basic and polar, with glutamine, which is neutral and polar, at codon 325 of the POLG2 protein (p.Arg325Gln). This variant is present in population databases (rs782425181, gnomAD 0.02%). This variant has not been reported in the literature in individuals affected with POLG2-related conditions. ClinVar contains an entry for this variant (Variation ID: 1347047). An algorithm developed to predict the effect of missense changes on protein structure and function (PolyPhen-2) suggests that this variant is likely to be disruptive. In summary, the available evidence is currently insufficient to determine the role of this variant in disease. Therefore, it has been classified as a Variant of Uncertain Significance.

Ambry Genetics
Classification: Uncertain significance. Last evaluated: 2023-03-01. Review status: criteria provided, single submitter. Criteria: Ambry Variant Classification Scheme 2023. Collection method: clinical testing. Allele origin: germline.

NM_007215.4(POLG2):c.974G>A (p.Arg325Gln)

Genes: MILR1 (mast cell immunoglobulin like receptor 1; plus strand), POLG2 (DNA polymerase gamma 2, accessory subunit; minus strand). Cytogenetic location: 17q23.3.
Variant type: single nucleotide variant.
Coding change: c.974G>A on transcript NM_007215.4 (MANE Select); coding-DNA position 974, G replaced by A.
Protein change: p.Arg325Gln; replaces arginine 325 with glutamine.
Molecular consequence: missense variant.
Genome position (GRCh38, 1-based): chr17:64,485,864, C>T on the plus strand (G>A on the coding strand, the complement: POLG2 is on the minus strand). VCF-style: chr17-64485864-C-T. GRCh37 (hg19) VCF-style: chr17-62481981-C-T.
Other names: c.974G>A (NM_007215.3); short protein forms R325Q.
Identifiers: ClinVar variation 1347047 (VCV001347047.7), dbSNP rs782425181, ClinGen allele CA8712872.